The following is an entry in ClinVar:

NM_001611.5(ACP5):c.765C>G (p.Tyr255Ter)

Gene: ACP5 (acid phosphatase 5, tartrate resistant; minus strand). Cytogenetic location: 19p13.2.
Variant type: single nucleotide variant.
Coding change: c.765C>G on transcript NM_001611.5 (MANE Select); coding-DNA position 765, C replaced by G.
Protein change: p.Tyr255Ter; replaces tyrosine 255 with a stop codon.
Molecular consequence: nonsense.
Genome position (GRCh38, 1-based): chr19:11,575,223, G>C on the plus strand (C>G on the coding strand, the complement: ACP5 is on the minus strand). VCF-style: chr19-11575223-G-C. GRCh37 (hg19) VCF-style: chr19-11686038-G-C.
Other names: c.765C>G, p.Tyr255Ter (NM_001111034.3, NM_001111035.3, NM_001111036.3 and 5 more transcripts); short protein forms Y255*.
Identifiers: ClinVar variation 4537072 (VCV004537072.1).

ClinVar aggregate classification (germline): Pathogenic (1 of 4 stars; one submission).

Conditions:
Spondyloenchondrodysplasia with immune dysregulation (SPENCDI). Also called: COMBINED IMMUNODEFICIENCY WITH AUTOIMMUNITY AND SPONDYLOMETAPHYSEAL DYSPLASIA; ROIFMAN IMMUNOSKELETAL SYNDROME; SPONDYLOENCHONDRODYSPLASIA WITH OR WITHOUT IMMUNE DYSREGULATION. Identifiers: Orphanet 1855, MedGen C1842763, MONDO:0011939, OMIM 607944.

gnomAD v4.1: 2 of 1,613,834 alleles (0.00012%); highest among the groups gnomAD compares: African/African-American, 0.0013%; no homozygotes.

Submission:

Women's Health and Genetics/Laboratory Corporation of America, LabCorp
Classification: Pathogenic for Spondyloenchondrodysplasia with immune dysregulation. Last evaluated: 2025-11-04. Review status: criteria provided, single submitter. Criteria: LabCorp Variant Classification Summary - May 2015. Collection method: clinical testing. Allele origin: germline.
Comment: Variant summary: ACP5 c.765C>G (p.Tyr255X) results in a premature termination codon, predicted to cause a truncation of the encoded protein. The variant was absent in 248834 control chromosomes (gnomAD). To our knowledge, no occurrence of c.765C>G in individuals affected with ACP5-related conditions and no experimental evidence demonstrating its impact on protein function has been reported. At least one variant (p.Ser267*) downstream of this position has been determined to be pathogenic (PMID: 21217752), suggesting that this is a clinically significant region of the protein, and that variants that disrupt it is likely to be disease-causing. No submitters have cited clinical-significance assessments for this variant to ClinVar. Based on the evidence outlined above, the variant was classified as pathogenic.